The following is an entry in ClinVar:

ClinVar aggregate classification (germline): Pathogenic. Review status: no assertion criteria provided (0 of 4 stars). 2 submissions from 2 submitters: Pathogenic (1). 1 of the submissions does not count toward it. Last evaluated 2023-10-24.

Conditions:
TSC2-related disorder. Also called: TSC2-Related Disorders; TSC2-related condition.
Tuberous sclerosis syndrome (TSC). Also called: Tuberous Sclerosis Complex; Tuberous sclerosis. Identifiers: Orphanet 805, MedGen C0041341, MONDO:0001734.

Submissions (2):

PreventionGenetics, part of Exact Sciences
Classification: Pathogenic for TSC2-related condition. Last evaluated: 2023-10-24. Review status: no assertion criteria provided. Collection method: clinical testing. Allele origin: germline.
Comment: The TSC2 c.3337dupG variant is predicted to result in a frameshift and premature protein termination (p.Glu1113Glyfs*55). This variant has been reported in an individual with Tuberous Sclerosis Complex (TSC; Fig 1, Table s1, Overwater et al. 2016. PubMed ID: 27406250). This variant has not been reported in a large population database, indicating this variant is rare. It is documented in ClinVar, but no interpretation is provided. Frameshift variants in TSC2 are expected to be pathogenic. This variant is interpreted as pathogenic.

Tuberous sclerosis database (TSC2)
No classification provided. Condition: TSC. Review status: no classification provided. Criteria: Tuberous Sclerosis Database Assertion Criteria 2015. Collection method: curation. Allele origin: germline. Affected: yes. Not counted in ClinVar's aggregate classification.

NM_000548.5(TSC2):c.3337dup (p.Glu1113fs)

Gene: TSC2 (TSC complex subunit 2; plus strand). Cytogenetic location: 16p13.3.
Variant type: Duplication.
Coding change: c.3337dup on transcript NM_000548.5 (MANE Select); coding-DNA position 3337, one base duplicated (G; older notation c.3337dupG).
Protein change: p.Glu1113fs; shifts the reading frame from glutamic acid 1113.
Molecular consequence: frameshift variant.
Genome position (GRCh38, 1-based): chr16:2,079,609, G duplicated; the last of 2 consecutive G bases (chr16:2,079,608-2,079,609); duplicating either gives the same sequence. VCF-style (leftmost placement, unchanged base first): chr16-2079607-T-TG. GRCh37 (hg19) VCF-style: chr16-2129608-T-TG.
Other names: c.3205dup, p.Glu1069fs (NM_001077183.3, NM_001370404.1); c.3337dup, p.Glu1113fs (NM_001114382.3); c.3097dup, p.Glu1033fs (NM_001318827.2); c.3061dup, p.Glu1021fs (NM_001318829.2); c.2605dup, p.Glu869fs (NM_001318831.2); c.3238dup, p.Glu1080fs (NM_001318832.2); c.3208dup, p.Glu1070fs (NM_001363528.2, NM_001370405.1, NM_021055.3); c.3337dupG (NM_000548.4); short protein forms E1033fs, E1113fs, E869fs, E1070fs, E1021fs, E1069fs, E1080fs.
Identifiers: ClinVar variation 65194 (VCV000065194.4), dbSNP rs397515144, ClinGen allele CA018911.
Genomic context (GRCh38, chr16:2,079,607, plus strand): 5'-CTCTTCTCAGCTCCAGCCCCGGGGTGCATGTGAGACAGACCAAGGAGGCGCCGGCCAAGC[T>TG]GGAGTCCCAGGCTGGGCAGCAGGTGTCCCGTGGGGCCCGGGATCGGGTCCGTTCCATGTC-3'